The following is an entry in ClinVar:

ClinVar aggregate classification (germline): Uncertain significance (1 of 4 stars; one submission).

Conditions:
Primary ciliary dyskinesia 29. Also called: CILIARY DYSKINESIA, PRIMARY, 29, WITHOUT SITUS INVERSUS. Identifiers: Orphanet 244, MedGen C4014534, MONDO:0014378, OMIM 615872.

Submission:

The Genetics Institute, Rambam Health Care Campus
Classification: Uncertain significance for Primary ciliary dyskinesia 29. Last evaluated: 2025-08-12. Review status: criteria provided, single submitter. Criteria: ACMG Guidelines, 2015. Collection method: clinical testing. Allele origin: unknown. Affected: yes.
Comment: The c.381+5G>A variant is located in intron 1 of the CCNO gene and affects a nucleotide outside the consensus splice site. This variant has not been reported in the literature in individuals affected with CCNO-related conditions. This variant is absent from population databases (gnomAD v.2). Computational analyses predict that this variant is has moderate evidence for splice altering (spliceAI = 0.37). Based on the above information, the c.381+5G>A variant has been classified as a Variant of Uncertain Significance.

NM_021147.5(CCNO):c.381+5G>A

Gene: CCNO (cyclin O; minus strand). Cytogenetic location: 5q11.2.
Variant type: single nucleotide variant.
Coding change: c.381+5G>A on transcript NM_021147.5 (MANE Select); 5 bases into the intron after coding-DNA position 381, G replaced by A.
Molecular consequence: intron variant. On other transcripts: non-coding transcript variant (2).
Genome position (GRCh38, 1-based): chr5:55,233,138, C>T on the plus strand (G>A on the coding strand, the complement: CCNO is on the minus strand). VCF-style: chr5-55233138-C-T. GRCh37 (hg19) VCF-style: chr5-54528966-C-T.
Identifiers: ClinVar variation 4533363 (VCV004533363.1).